The following is an entry in ClinVar:

ClinVar aggregate classification (germline): Conflicting classifications of pathogenicity. Review status: criteria provided, conflicting classifications (1 of 4 stars). 3 submissions from 3 submitters: Uncertain significance (2); Benign (1). Last evaluated 2023-01-30.

Conditions:
Developmental and epileptic encephalopathy, 69. Also called: EPILEPTIC ENCEPHALOPATHY, EARLY INFANTILE, 69. Identifiers: MedGen C4748988, MONDO:0032657, OMIM 618285.

Allele frequency attached by ClinVar (database versions not stated): gnomAD exomes below 0.00001.
gnomAD v4.1: 1 of 1,613,906 alleles (0.000062%); highest among the groups gnomAD compares: East Asian, 0.0022%; no homozygotes.

Submissions (3):

Blueprint Genetics
Classification: Uncertain significance. Last evaluated: 2023-01-30. Review status: criteria provided, single submitter. Criteria: ACMG Guidelines, 2015. Collection method: clinical testing. Allele origin: germline.

Labcorp Genetics (formerly Invitae), Labcorp
Classification: Benign. Last evaluated: 2022-02-05. Review status: criteria provided, single submitter. Criteria: Invitae Variant Classification Sherloc (09022015). Collection method: clinical testing. Allele origin: germline.

Centre for Mendelian Genomics, University Medical Centre Ljubljana
Classification: Uncertain significance for Developmental and epileptic encephalopathy, 69. Last evaluated: 2019-03-26. Review status: criteria provided, single submitter. Criteria: ACMG Guidelines, 2015. Collection method: clinical testing. Allele origin: unknown. Affected: yes.
Comment: This variant was classified as: Uncertain significance. The available evidence on this variant's pathogenicity is insufficient or conflicting. The following ACMG criteria were applied in classifying this variant: PM2,BP4.

NM_001205293.3(CACNA1E):c.6605G>A (p.Ser2202Asn)

Gene: CACNA1E (calcium voltage-gated channel subunit alpha1 E; plus strand). Cytogenetic location: 1q25.3.
Variant type: single nucleotide variant.
Coding change: c.6605G>A on transcript NM_001205293.3 (MANE Select); coding-DNA position 6605, G replaced by A.
Protein change: p.Ser2202Asn; replaces serine 2202 with asparagine.
Molecular consequence: missense variant.
Genome position (GRCh38, 1-based): chr1:181,798,497, G>A. VCF-style: chr1-181798497-G-A. GRCh37 (hg19) VCF-style: chr1-181767633-G-A.
Other names: c.6476G>A, p.Ser2159Asn (NM_000721.4); c.6419G>A, p.Ser2140Asn (NM_001205294.2); short protein forms S2140N, S2202N, S2159N.
Identifiers: ClinVar variation 931176 (VCV000931176.11), dbSNP rs1662014050, ClinGen allele CA343845129.